The following is an entry in ClinVar:

ClinVar aggregate classification (germline): Uncertain significance. Review status: criteria provided, multiple submitters, no conflicts (2 of 4 stars). 2 submissions from 2 submitters: Uncertain significance (2). Last evaluated 2026-05-14.

Conditions:
Periodic fever-infantile enterocolitis-autoinflammatory syndrome. Also called: Autoinflammation with infantile enterocolitis. Identifiers: Orphanet 436166, MedGen C4015067, MONDO:0014472, OMIM 616050.
Familial cold autoinflammatory syndrome 4 (FCAS4). Identifiers: Orphanet 47045, Orphanet 576349, MedGen C4015276, MONDO:0014498, OMIM 616115.

gnomAD v4.1: 3 of 1,613,820 alleles (0.00019%); highest among the groups gnomAD compares: Non-Finnish European, 0.00025%; no homozygotes.

Submissions (2):

Division of Clinical Immunology and Allergy, Necmettin Erbakan University, Faculty of Medicine
Classification: Uncertain significance for Periodic fever-infantile enterocolitis-autoinflammatory syndrome; Familial cold autoinflammatory syndrome 4. Last evaluated: 2026-05-14. Review status: criteria provided, single submitter. Criteria: ACMG Guidelines, 2015. Collection method: clinical testing. Allele origin: germline. Affected: no. Observed: 1 variant allele.

Labcorp Genetics (formerly Invitae), Labcorp
Classification: Uncertain significance for Periodic fever-infantile enterocolitis-autoinflammatory syndrome; Familial cold autoinflammatory syndrome 4. Last evaluated: 2024-10-30. Review status: criteria provided, single submitter. Criteria: Invitae Variant Classification Sherloc (09022015). Collection method: clinical testing. Allele origin: germline.
Comment: This sequence change replaces valine, which is neutral and non-polar, with glycine, which is neutral and non-polar, at codon 990 of the NLRC4 protein (p.Val990Gly). This variant is not present in population databases (gnomAD no frequency). This variant has not been reported in the literature in individuals affected with NLRC4-related conditions. Invitae Evidence Modeling of protein sequence and biophysical properties (such as structural, functional, and spatial information, amino acid conservation, physicochemical variation, residue mobility, and thermodynamic stability) has been performed for this missense variant. However, the output from this modeling did not meet the statistical confidence thresholds required to predict the impact of this variant on NLRC4 protein function. In summary, the available evidence is currently insufficient to determine the role of this variant in disease. Therefore, it has been classified as a Variant of Uncertain Significance.

NM_001199138.2(NLRC4):c.2969T>G (p.Val990Gly)

Gene: NLRC4 (NLR family CARD domain containing 4; minus strand). Cytogenetic location: 2p22.3.
Variant type: single nucleotide variant.
Coding change: c.2969T>G on transcript NM_001199138.2 (MANE Select); coding-DNA position 2969, T replaced by G.
Protein change: p.Val990Gly; replaces valine 990 with glycine.
Molecular consequence: missense variant.
Genome position (GRCh38, 1-based): chr2:32,224,579, A>C on the plus strand (T>G on the coding strand, the complement: NLRC4 is on the minus strand). VCF-style: chr2-32224579-A-C. GRCh37 (hg19) VCF-style: chr2-32449648-A-C.
Other names: c.2969T>G, p.Val990Gly (NM_001199139.2, NM_021209.5); c.974T>G, p.Val325Gly (NM_001302504.2); short protein forms V325G, V990G.
Identifiers: ClinVar variation 3750517 (VCV003750517.3).